The following is an entry in ClinVar:

NM_152384.3(BBS5):c.406del (p.Met136fs)

Gene: BBS5 (Bardet-Biedl syndrome 5; plus strand). Cytogenetic location: 2q31.1.
Variant type: Deletion.
Coding change: c.406del on transcript NM_152384.3 (MANE Select); coding-DNA position 406, one base deleted (A; older notation c.406delA).
Protein change: p.Met136fs; shifts the reading frame from methionine 136.
Molecular consequence: frameshift variant.
Genome position (GRCh38, 1-based): chr2:169,492,893, A deleted; the last of 4 consecutive A bases (chr2:169,492,890-169,492,893); deleting any one gives the same sequence. VCF-style (leftmost placement, unchanged base first): chr2-169492889-TA-T. GRCh37 (hg19) VCF-style: chr2-170349399-TA-T.
Other names: short protein forms M136fs.
Identifiers: ClinVar variation 1412902 (VCV001412902.6), dbSNP rs2105297751, ClinGen allele CA2573133674.

ClinVar aggregate classification (germline): Pathogenic (1 of 4 stars; one submission).

Conditions:
Bardet-Biedl syndrome (BBS). Identifiers: Orphanet 110, MedGen C0752166, MONDO:0015229.

Submission:

Labcorp Genetics (formerly Invitae), Labcorp
Classification: Pathogenic for Bardet-Biedl syndrome. Last evaluated: 2022-10-13. Review status: criteria provided, single submitter. Criteria: Invitae Variant Classification Sherloc (09022015). Collection method: clinical testing. Allele origin: germline.
Comment: For these reasons, this variant has been classified as Pathogenic. Algorithms developed to predict the effect of sequence changes on RNA splicing suggest that this variant may disrupt the consensus splice site. ClinVar contains an entry for this variant (Variation ID: 1412902). This variant has not been reported in the literature in individuals affected with BBS5-related conditions. This variant is not present in population databases (gnomAD no frequency). This sequence change creates a premature translational stop signal (p.Met136Cysfs*7) in the BBS5 gene. It is expected to result in an absent or disrupted protein product. Loss-of-function variants in BBS5 are known to be pathogenic (PMID: 15137946, 16877420, 26325687, 27708425, 28041643, 29806606).

Literature cited by the submitters: PubMed 15137946; PubMed 16877420; PubMed 26325687; PubMed 27708425; PubMed 28041643; PubMed 29806606.